The following is an entry in ClinVar:

NM_007186.6(CEP250):c.4895T>G (p.Val1632Gly)

Gene: CEP250 (centrosomal protein 250; plus strand). Cytogenetic location: 20q11.22.
Variant type: single nucleotide variant.
Coding change: c.4895T>G on transcript NM_007186.6 (MANE Select); coding-DNA position 4895, T replaced by G.
Protein change: p.Val1632Gly; replaces valine 1632 with glycine.
Molecular consequence: missense variant.
Genome position (GRCh38, 1-based): chr20:35,503,264, T>G. VCF-style: chr20-35503264-T-G. GRCh37 (hg19) VCF-style: chr20-34091092-T-G.
Other names: c.2999T>G, p.Val1000Gly (NM_001318219.1); short protein forms V1000G, V1632G.
Identifiers: ClinVar variation 1011971 (VCV001011971.6), dbSNP rs370432289, ClinGen allele CA9833784.
Genomic context (GRCh38, chr20:35,503,264, plus strand): 5'-ATGACCTGGAGAGCCACAGCACCGTTCTGGCAAGAGAGCTGCAGGAGAGGGACCAGGAGG[T>G]GAAGTCTCAGCGAGAACAGATCGAGGAGCTGCAGAGGCAGAAAGAGCATCTGACTCAGGA-3'
Protein context (NP_009117.2, residues 1622-1642): ARELQERDQE[Val1632Gly]KSQREQIEEL

ClinVar aggregate classification (germline): Uncertain significance (1 of 4 stars; one submission).

gnomAD v4.1: 3 of 1,613,714 alleles (0.00019%); highest among the groups gnomAD compares: Admixed American, 0.005%; no homozygotes.

Submission:

Labcorp Genetics (formerly Invitae), Labcorp
Classification: Uncertain significance. Last evaluated: 2022-06-13. Review status: criteria provided, single submitter. Criteria: Invitae Variant Classification Sherloc (09022015). Collection method: clinical testing. Allele origin: germline.
Comment: This sequence change replaces valine, which is neutral and non-polar, with glycine, which is neutral and non-polar, at codon 1632 of the CEP250 protein (p.Val1632Gly). This variant is present in population databases (rs370432289, gnomAD 0.009%). This variant has not been reported in the literature in individuals affected with CEP250-related conditions. ClinVar contains an entry for this variant (Variation ID: 1011971). Algorithms developed to predict the effect of missense changes on protein structure and function output the following: SIFT: "Not Available"; PolyPhen-2: "Benign"; Align-GVGD: "Not Available". The glycine amino acid residue is found in multiple mammalian species, which suggests that this missense change does not adversely affect protein function. In summary, the available evidence is currently insufficient to determine the role of this variant in disease. Therefore, it has been classified as a Variant of Uncertain Significance.